The following is an entry in ClinVar:

NM_003106.4(SOX2):c.621C>G (p.Tyr207Ter)

Genes: SOX2 (SRY-box transcription factor 2; plus strand), SOX2-OT (SOX2 overlapping transcript; plus strand). Cytogenetic location: 3q26.33.
Variant type: single nucleotide variant.
Coding change: c.621C>G on transcript NM_003106.4 (MANE Select); coding-DNA position 621, C replaced by G.
Protein change: p.Tyr207Ter; replaces tyrosine 207 with a stop codon.
Molecular consequence: nonsense.
Genome position (GRCh38, 1-based): chr3:181,712,981, C>G. VCF-style: chr3-181712981-C-G. GRCh37 (hg19) VCF-style: chr3-181430769-C-G.
Other names: short protein forms Y207*.
Identifiers: ClinVar variation 4854930 (VCV004854930.1).

ClinVar aggregate classification (germline): Likely pathogenic (1 of 4 stars; one submission).

Conditions:
SOX2-related disorder. Also called: SOX2-related condition.

Submission:

3billion
Classification: Likely pathogenic for SOX2-related disorder. Last evaluated: 2025-06-19. Review status: criteria provided, single submitter. Criteria: ACMG Guidelines, 2015. Collection method: clinical testing. Allele origin: germline. Affected: yes.
Comment: The variant is not observed in the gnomAD v4.1.0 dataset. Predicted Consequence/Location: Stop-gained (nonsense): predicted to result in a loss or disruption of normal protein function through protein truncation. Multiple pathogenic variants are reported in the predicted truncated region. Therefore, this variant is classified as Likely pathogenic according to the recommendation of ACMG/AMP guideline.